The following is an entry in ClinVar:

ClinVar aggregate classification (germline): Conflicting classifications of pathogenicity. Review status: criteria provided, conflicting classifications (1 of 4 stars). 4 submissions from 4 submitters: Uncertain significance (3); Likely benign (1). Last evaluated 2026-03-14.

Conditions:
CEP250-related disorder. Also called: CEP250-related condition.

Allele frequency attached by ClinVar (database versions not stated): ExAC 0.00008; 1000 Genomes Project 30x 0.00016; 1000 Genomes Project 0.00020; gnomAD 0.00002; gnomAD exomes 0.00002; TOPMed 0.00002.
gnomAD v4.1: 31 of 1,561,828 alleles (0.002%); highest among the groups gnomAD compares: East Asian, 0.024%; no homozygotes.

Submissions (4):

PreventionGenetics, part of Exact Sciences
Classification: Uncertain significance for CEP250-related condition. Last evaluated: 2026-03-14. Review status: criteria provided, single submitter. Criteria: ACMG Guidelines, 2015. Collection method: clinical testing. Allele origin: germline.
Comment: The CEP250 c.6677G>A variant is predicted to result in the amino acid substitution p.Arg2226Gln. To our knowledge, this variant has not been reported in the literature. This variant is reported in 0.036% of alleles in individuals of East Asian descent in gnomAD. At this time, the clinical significance of this variant is uncertain due to the absence of conclusive functional and genetic evidence.

Ambry Genetics
Classification: Likely benign. Last evaluated: 2023-12-01. Review status: criteria provided, single submitter. Criteria: Ambry Variant Classification Scheme 2023. Collection method: clinical testing. Allele origin: germline.

GeneDx
Classification: Uncertain significance. Last evaluated: 2022-06-25. Review status: criteria provided, single submitter. Criteria: GeneDx Variant Classification Process June 2021. Collection method: clinical testing. Allele origin: germline. Affected: yes.
Comment: In silico analysis supports that this missense variant does not alter protein structure/function; Has not been previously published as pathogenic or benign to our knowledge

Labcorp Genetics (formerly Invitae), Labcorp
Classification: Uncertain significance. Last evaluated: 2021-12-11. Review status: criteria provided, single submitter. Criteria: Invitae Variant Classification Sherloc (09022015). Collection method: clinical testing. Allele origin: germline.
Comment: In summary, the available evidence is currently insufficient to determine the role of this variant in disease. Therefore, it has been classified as a Variant of Uncertain Significance. Algorithms developed to predict the effect of missense changes on protein structure and function output the following: SIFT: "Not Available"; PolyPhen-2: "Benign"; Align-GVGD: "Not Available". The glutamine amino acid residue is found in multiple mammalian species, which suggests that this missense change does not adversely affect protein function. This variant has not been reported in the literature in individuals affected with CEP250-related conditions. This variant is present in population databases (rs200449873, gnomAD 0.04%). This sequence change replaces arginine, which is basic and polar, with glutamine, which is neutral and polar, at codon 2226 of the CEP250 protein (p.Arg2226Gln).

NM_007186.6(CEP250):c.6677G>A (p.Arg2226Gln)

Gene: CEP250 (centrosomal protein 250; plus strand). Cytogenetic location: 20q11.22.
Variant type: single nucleotide variant.
Coding change: c.6677G>A on transcript NM_007186.6 (MANE Select); coding-DNA position 6677, G replaced by A.
Protein change: p.Arg2226Gln; replaces arginine 2226 with glutamine.
Molecular consequence: missense variant.
Genome position (GRCh38, 1-based): chr20:35,507,778, G>A. VCF-style: chr20-35507778-G-A. GRCh37 (hg19) VCF-style: chr20-34095607-G-A.
Other names: c.6677G>A (NM_007186.3, NM_007186.5); c.4781G>A, p.Arg1594Gln (NM_001318219.1); short protein forms R1594Q, R2226Q.
Identifiers: ClinVar variation 1806693 (VCV001806693.7), dbSNP rs200449873, ClinGen allele CA9834126.